The following is an entry in ClinVar:

NM_006341.4(MAD2L2):c.619G>A (p.Ala207Thr)

Gene: MAD2L2 (mitotic arrest deficient 2 like 2; minus strand). Cytogenetic location: 1p36.22.
Variant type: single nucleotide variant.
Coding change: c.619G>A on transcript NM_006341.4 (MANE Select); coding-DNA position 619, G replaced by A.
Protein change: p.Ala207Thr; replaces alanine 207 with threonine.
Molecular consequence: missense variant.
Genome position (GRCh38, 1-based): chr1:11,674,792, C>T on the plus strand (G>A on the coding strand, the complement: MAD2L2 is on the minus strand). VCF-style: chr1-11674792-C-T. GRCh37 (hg19) VCF-style: chr1-11734849-C-T.
Other names: c.619G>A, p.Ala207Thr (NM_001127325.2); short protein forms A207T.
Identifiers: ClinVar variation 4765790 (VCV004765790.1).
Genomic context (GRCh38, chr1:11,674,792, plus strand): 5'-AAAGTCTGACAGTTTGGGCATCAGTGGGGTGGCAGGTGCCCCCTCAGCTGCCTTTATGAG[C>T]GCGCTCTTCCACGTAAAGCTGCATCTGACGGACACAAGCAAACAGCCACAGTCAGCAAGA-3'
Protein context (NP_006332.3, residues 197-211): LKMQLYVEER[Ala207Thr]HKGS

ClinVar aggregate classification (germline): Uncertain significance (1 of 4 stars; one submission).

gnomAD v4.1: 8 of 1,613,728 alleles (0.0005%); highest among the groups gnomAD compares: Admixed American, 0.005%; no homozygotes.

Submission:

Labcorp Genetics (formerly Invitae), Labcorp
Classification: Uncertain significance. Last evaluated: 2026-02-02. Review status: criteria provided, single submitter. Criteria: Invitae Variant Classification Sherloc (09022015). Collection method: clinical testing. Allele origin: germline.
Comment: This sequence change replaces alanine, which is neutral and non-polar, with threonine, which is neutral and polar, at codon 207 of the MAD2L2 protein (p.Ala207Thr). This variant is present in population databases (rs759967644, gnomAD 0.009%). This variant has not been reported in the literature in individuals affected with MAD2L2-related conditions. An algorithm developed to predict the effect of missense changes on protein structure and function (PolyPhen-2) suggests that this variant is likely to be tolerated. In summary, the available evidence is currently insufficient to determine the role of this variant in disease. Therefore, it has been classified as a Variant of Uncertain Significance.